The following is an entry in ClinVar:

ClinVar aggregate classification (germline): Uncertain significance. Review status: criteria provided, multiple submitters, no conflicts (2 of 4 stars). 7 submissions from 7 submitters: Uncertain significance (7). Last evaluated 2025-12-30.

Conditions:
Inborn genetic diseases. Identifiers: MedGen C0950123, MeSH D030342.
Pyridoxine-dependent epilepsy (EPEO4). Also called: Pyridoxine-Dependent Seizures; Pyridoxine-Dependent Epilepsy - ALDH7A1; PYRIDOXINE DEPENDENCY WITH SEIZURES; EPILEPSY, EARLY-ONSET, 4, VITAMIN B6-DEPENDENT. Identifiers: Orphanet 3006, MedGen C1849508, MONDO:0009945, OMIM 266100. Disease mechanism: loss of function.

Allele frequency attached by ClinVar (database versions not stated): TOPMed 0.00002.
gnomAD v4.1: 23 of 1,551,936 alleles (0.0015%); highest among the groups gnomAD compares: South Asian, 0.013%; 1 homozygote.

Submissions (7):

GeneDx
Classification: Uncertain significance. Last evaluated: 2025-12-30. Review status: criteria provided, single submitter. Criteria: GeneDx Variant Classification Process June 2021. Collection method: clinical testing. Allele origin: germline. Affected: yes.
Comment: Not observed at significant frequency in large population cohorts (gnomAD); In silico analysis suggests that this missense variant does not alter protein structure/function; Has not been previously published as pathogenic or benign to our knowledge

Genome-Nilou Lab
Classification: Uncertain significance for Pyridoxine-dependent epilepsy. Last evaluated: 2023-04-11. Review status: criteria provided, single submitter. Criteria: ACMG Guidelines, 2015. Collection method: clinical testing. Allele origin: germline. Affected: no.

Labcorp Genetics (formerly Invitae), Labcorp
Classification: Uncertain significance for Pyridoxine-dependent epilepsy. Last evaluated: 2022-07-30. Review status: criteria provided, single submitter. Criteria: Invitae Variant Classification Sherloc (09022015). Collection method: clinical testing. Allele origin: germline.
Comment: This sequence change replaces arginine, which is basic and polar, with leucine, which is neutral and non-polar, at codon 3 of the ALDH7A1 protein (p.Arg3Leu). This variant is present in population databases (no rsID available, gnomAD 0.009%). This variant has not been reported in the literature in individuals affected with ALDH7A1-related conditions. ClinVar contains an entry for this variant (Variation ID: 204854). Advanced modeling of protein sequence and biophysical properties (such as structural, functional, and spatial information, amino acid conservation, physicochemical variation, residue mobility, and thermodynamic stability) performed at Invitae indicates that this missense variant is not expected to disrupt ALDH7A1 protein function. In summary, the available evidence is currently insufficient to determine the role of this variant in disease. Therefore, it has been classified as a Variant of Uncertain Significance.

New York Genome Center
Classification: Uncertain significance for Pyridoxine-dependent epilepsy. Last evaluated: 2021-12-20. Review status: criteria provided, single submitter. Criteria: NYGC Assertion Criteria 2020. Collection method: clinical testing. Allele origin: germline. Observed: 1 heterozygote. Study: CSER-NYCKidSeq.

Baylor Genetics
Classification: Uncertain significance for Pyridoxine-dependent epilepsy. Last evaluated: 2019-03-04. Review status: criteria provided, single submitter. Criteria: ACMG Guidelines, 2015. Collection method: clinical testing. Allele origin: paternal. Affected: yes.
Comment: This variant was determined to be of uncertain significance according to ACMG Guidelines, 2015 [PMID:25741868].

Ambry Genetics
Classification: Uncertain significance for Inborn genetic diseases. Last evaluated: 2018-07-13. Review status: criteria provided, single submitter. Criteria: Ambry Variant Classification Scheme 2023. Collection method: clinical testing. Allele origin: germline.
Comment: The p.R3L variant (also known as c.8G>T), located in coding exon 1 of the ALDH7A1 gene, results from a G to T substitution at nucleotide position 8. The arginine at codon 3 is replaced by leucine, an amino acid with dissimilar properties. This amino acid position is well conserved in available vertebrate species. In addition, the in silico prediction for this alteration is inconclusive. Since supporting evidence is limited at this time, the clinical significance of this alteration remains unclear.

Illumina Laboratory Services, Illumina
Classification: Uncertain significance for Pyridoxine-dependent epilepsy. Last evaluated: 2018-01-13. Review status: criteria provided, single submitter. Criteria: ICSL Variant Classification Criteria 13 December 2019. Collection method: clinical testing. Allele origin: germline.

NM_001182.5(ALDH7A1):c.8G>T (p.Arg3Leu)

Gene: ALDH7A1 (aldehyde dehydrogenase 7 family member A1; minus strand). Cytogenetic location: 5q23.2.
Variant type: single nucleotide variant.
Coding change: c.8G>T on transcript NM_001182.5 (MANE Select); coding-DNA position 8, G replaced by T.
Protein change: p.Arg3Leu; replaces arginine 3 with leucine.
Molecular consequence: missense variant. On other transcripts: 5 prime UTR variant (1).
Genome position (GRCh38, 1-based): chr5:126,595,191, C>A on the plus strand (G>T on the coding strand, the complement: ALDH7A1 is on the minus strand). VCF-style: chr5-126595191-C-A. GRCh37 (hg19) VCF-style: chr5-125930883-C-A.
Other names: p.R3L:CGC>CTC; c.-77G>T (NM_001201377.2); c.8G>T, p.Arg3Leu (NM_001202404.2); short protein forms R3L.
Identifiers: ClinVar variation 204854 (VCV000204854.17), dbSNP rs759866910, ClinGen allele CA313215.